The following is an entry in ClinVar:

ClinVar aggregate classification (germline): Uncertain significance (1 of 4 stars; one submission).

Submission:

GeneDx
Classification: Uncertain significance. Last evaluated: 2022-09-05. Review status: criteria provided, single submitter. Criteria: GeneDx Variant Classification Process June 2021. Collection method: clinical testing. Allele origin: germline. Affected: yes.
Comment: Not observed at significant frequency in large population cohorts (gnomAD); In-frame deletion of one amino acid in a non-repeat region; Has not been previously published as pathogenic or benign to our knowledge

NM_020937.4(FANCM):c.3347ATG[1] (p.Asp1117del)

Gene: FANCM (FA complementation group M; plus strand). Cytogenetic location: 14q21.2.
Variant type: Microsatellite.
Coding change: c.3347ATG[1] on transcript NM_020937.4 (MANE Select); one copy of the 3-base unit ATG starting at c.3347; the reference has two copies in a row; one copy, 3 bases deleted; also written c.3350_3352del.
Protein change: p.Asp1117del; deletes aspartic acid 1117.
Molecular consequence: inframe deletion. On other transcripts: inframe indel (2).
Genome position (GRCh38, 1-based): chr14:45,176,104-45,176,106, ATG deleted; deleting any 3 consecutive bases within chr14:45,176,101-45,176,106 gives the same sequence; the position shown is the placement nearest the transcript's 3' end. VCF-style (leftmost placement, unchanged base first): chr14-45176100-CATG-C. GRCh37 (hg19) VCF-style: chr14-45645303-CATG-C.
Other names: c.3269ATG[1], p.Asp1091del (NM_001308133.2); c.3347_3349ATG[1], p.Asp1117del (NM_020937.2); c.3350_3352del (NM_020937.2); short protein forms D1091del, D1117del.
Identifiers: ClinVar variation 2442636 (VCV002442636.1), dbSNP rs1286393165, ClinGen allele CA614273462.